The following is an entry in ClinVar:

ClinVar aggregate classification (germline): Uncertain significance. Review status: criteria provided, multiple submitters, no conflicts (2 of 4 stars). 3 submissions from 3 submitters: Uncertain significance (3). Last evaluated 2024-06-13.

Conditions:
Inborn genetic diseases. Identifiers: MedGen C0950123, MeSH D030342.

Allele frequency attached by ClinVar (database versions not stated): gnomAD exomes below 0.00001; TOPMed 0.00001; gnomAD 0.00002.
gnomAD v4.1: 7 of 1,613,794 alleles (0.00043%); highest among the groups gnomAD compares: Non-Finnish European, 0.00059%; no homozygotes.

Submissions (3):

Ambry Genetics
Classification: Uncertain significance for Inborn genetic diseases. Last evaluated: 2024-06-13. Review status: criteria provided, single submitter. Criteria: Ambry Variant Classification Scheme 2023. Collection method: clinical testing. Allele origin: germline.

Labcorp Genetics (formerly Invitae), Labcorp
Classification: Uncertain significance. Last evaluated: 2024-01-17. Review status: criteria provided, single submitter. Criteria: Invitae Variant Classification Sherloc (09022015). Collection method: clinical testing. Allele origin: germline.
Comment: This sequence change replaces threonine, which is neutral and polar, with alanine, which is neutral and non-polar, at codon 968 of the SETD5 protein (p.Thr968Ala). This variant is not present in population databases (gnomAD no frequency). This variant has not been reported in the literature in individuals affected with SETD5-related conditions. ClinVar contains an entry for this variant (Variation ID: 1204013). Advanced modeling of protein sequence and biophysical properties (such as structural, functional, and spatial information, amino acid conservation, physicochemical variation, residue mobility, and thermodynamic stability) performed at Invitae indicates that this missense variant is not expected to disrupt SETD5 protein function with a negative predictive value of 80%. In summary, the available evidence is currently insufficient to determine the role of this variant in disease. Therefore, it has been classified as a Variant of Uncertain Significance.

GeneDx
Classification: Uncertain significance. Last evaluated: 2019-08-23. Review status: criteria provided, single submitter. Criteria: GeneDx Variant Classification Process June 2021. Collection method: clinical testing. Allele origin: germline. Affected: yes.
Comment: Not observed in large population cohorts (Lek et al., 2016); In silico analysis, which includes protein predictors and evolutionary conservation, supports that this variant does not alter protein structure/function; Has not been previously published as pathogenic or benign to our knowledge

NM_001080517.3(SETD5):c.2902A>G (p.Thr968Ala)

Gene: SETD5 (SET domain containing 5; plus strand). Cytogenetic location: 3p25.3.
Variant type: single nucleotide variant.
Coding change: c.2902A>G on transcript NM_001080517.3 (MANE Select); coding-DNA position 2902, A replaced by G.
Protein change: p.Thr968Ala; replaces threonine 968 with alanine.
Molecular consequence: missense variant.
Genome position (GRCh38, 1-based): chr3:9,470,636, A>G. VCF-style: chr3-9470636-A-G. GRCh37 (hg19) VCF-style: chr3-9512320-A-G.
Other names: c.2608A>G, p.Thr870Ala (NM_001292043.2, NM_001349451.2); short protein forms T870A, T968A.
Identifiers: ClinVar variation 1204013 (VCV001204013.9), dbSNP rs905963301, ClinGen allele CA69950028.